The following is an entry in ClinVar:

NM_001378454.1(ALMS1):c.880A>C (p.Ser294Arg)

Gene: ALMS1 (ALMS1 centrosome and basal body associated protein; plus strand). Cytogenetic location: 2p13.1.
Variant type: single nucleotide variant.
Coding change: c.880A>C on transcript NM_001378454.1 (MANE Select); coding-DNA position 880, A replaced by C.
Protein change: p.Ser294Arg; replaces serine 294 with arginine.
Molecular consequence: missense variant.
Genome position (GRCh38, 1-based): chr2:73,424,545, A>C. VCF-style: chr2-73424545-A-C. GRCh37 (hg19) VCF-style: chr2-73651673-A-C.
Other names: c.883A>C, p.Ser295Arg (NM_015120.4); short protein forms S294R, S295R.
Identifiers: ClinVar variation 3623434 (VCV003623434.2).

ClinVar aggregate classification (germline): Uncertain significance (1 of 4 stars; one submission).

Conditions:
Alstrom syndrome (ALMS). Identifiers: Orphanet 64, MedGen C0268425, MONDO:0008763, OMIM 203800.

gnomAD v4.1: 1 of 1,613,506 alleles (0.000062%); highest among the groups gnomAD compares: South Asian, 0.0011%; no homozygotes.

Submission:

Labcorp Genetics (formerly Invitae), Labcorp
Classification: Uncertain significance for Alstrom syndrome. Last evaluated: 2024-04-09. Review status: criteria provided, single submitter. Criteria: Invitae Variant Classification Sherloc (09022015). Collection method: clinical testing. Allele origin: germline.
Comment: This sequence change replaces serine, which is neutral and polar, with arginine, which is basic and polar, at codon 295 of the ALMS1 protein (p.Ser295Arg). This variant is not present in population databases (gnomAD no frequency). This variant has not been reported in the literature in individuals affected with ALMS1-related conditions. Algorithms developed to predict the effect of missense changes on protein structure and function output the following: SIFT: "Not Available"; PolyPhen-2: "Not Available"; Align-GVGD: "Not Available". The arginine amino acid residue is found in multiple mammalian species, which suggests that this missense change does not adversely affect protein function. In summary, the available evidence is currently insufficient to determine the role of this variant in disease. Therefore, it has been classified as a Variant of Uncertain Significance.